The following is an entry in ClinVar:

NM_000310.4(PPT1):c.134G>A (p.Cys45Tyr)

Gene: PPT1 (palmitoyl-protein thioesterase 1; minus strand). Cytogenetic location: 1p34.2.
Variant type: single nucleotide variant.
Coding change: c.134G>A on transcript NM_000310.4 (MANE Select); coding-DNA position 134, G replaced by A.
Protein change: p.Cys45Tyr; replaces cysteine 45 with tyrosine.
Molecular consequence: missense variant. On other transcripts: intron variant (1).
Genome position (GRCh38, 1-based): chr1:40,092,498, C>T on the plus strand (G>A on the coding strand, the complement: PPT1 is on the minus strand). VCF-style: chr1-40092498-C-T. GRCh37 (hg19) VCF-style: chr1-40558170-C-T.
Other names: c.134G>A, p.Cys45Tyr (NM_001363695.2); c.125-2986G>A (NM_001142604.2); short protein forms C45Y.
Identifiers: ClinVar variation 8908 (VCV000008908.5), dbSNP rs137852702, ClinGen allele CA254590.

ClinVar aggregate classification (germline): Pathogenic. Review status: criteria provided, single submitter (1 of 4 stars). 2 submissions from 2 submitters: Pathogenic (1). 1 of the submissions does not count toward it. Last evaluated 2023-11-07.

Conditions:
Neuronal ceroid lipofuscinosis 1 (CLN1). Also called: CEROID LIPOFUSCINOSIS, NEURONAL, 1, VARIABLE AGE AT ONSET; PPT1-Related Neuronal Ceroid-Lipofuscinosis. Identifiers: Orphanet 228329, MedGen C1850451, MONDO:0009744, OMIM 256730.

gnomAD v4.1: 5 of 1,610,486 alleles (0.00031%); highest among the groups gnomAD compares: Non-Finnish European, 0.00042%; no homozygotes.

Submissions (2):

Labcorp Genetics (formerly Invitae), Labcorp
Classification: Pathogenic for Neuronal ceroid lipofuscinosis 1. Last evaluated: 2023-11-07. Review status: criteria provided, single submitter. Criteria: Invitae Variant Classification Sherloc (09022015). Collection method: clinical testing. Allele origin: germline.
Comment: This sequence change replaces cysteine, which is neutral and slightly polar, with tyrosine, which is neutral and polar, at codon 45 of the PPT1 protein (p.Cys45Tyr). This variant is not present in population databases (gnomAD no frequency). This missense change has been observed in individual(s) with autosomal recessive neuronal ceroid lipofuscinosis (PMID: 17261688). In at least one individual the data is consistent with being in trans (on the opposite chromosome) from a pathogenic variant. ClinVar contains an entry for this variant (Variation ID: 8908). Advanced modeling of protein sequence and biophysical properties (such as structural, functional, and spatial information, amino acid conservation, physicochemical variation, residue mobility, and thermodynamic stability) has been performed at Invitae for this missense variant, however the output from this modeling did not meet the statistical confidence thresholds required to predict the impact of this variant on PPT1 protein function. This variant disrupts the p.Cys45 amino acid residue in PPT1. Other variant(s) that disrupt this residue have been determined to be pathogenic (PMID: 30541466). This suggests that this residue is clinically significant, and that variants that disrupt this residue are likely to be disease-causing. For these reasons, this variant has been classified as Pathogenic.

OMIM
Classification: Pathogenic for CEROID LIPOFUSCINOSIS, NEURONAL, 1. Last evaluated: 2007-01-30. Review status: no assertion criteria provided. Collection method: literature only. Allele origin: germline. Not counted in ClinVar's aggregate classification.

Literature cited by the submitters: PubMed 17261688 (cited by Labcorp Genetics (formerly Invitae), Labcorp and OMIM); PubMed 30541466 (cited by Labcorp Genetics (formerly Invitae), Labcorp).